The following is an entry in ClinVar:

ClinVar aggregate classification (germline): Uncertain significance (1 of 4 stars; one submission).

Conditions:
Cardiovascular phenotype. Identifiers: MedGen CN230736.

Submission:

Ambry Genetics
Classification: Uncertain significance for Cardiovascular phenotype. Last evaluated: 2026-08-24. Review status: criteria provided, single submitter. Criteria: Ambry Variant Classification Scheme 2023. Collection method: clinical testing. Allele origin: germline.
Comment: The p.T1171A variant (also known as c.3511A>G), located in coding exon 8 of the TNXB gene, results from an A to G substitution at nucleotide position 3511. The threonine at codon 1171 is replaced by alanine, an amino acid with similar properties. This amino acid position is conserved. In addition, this alteration is predicted to be tolerated by in silico analysis. Based on the available evidence, the clinical significance of this variant remains unclear.

NM_001365276.2(TNXB):c.3511A>G (p.Thr1171Ala)

Gene: TNXB (tenascin XB; minus strand). Cytogenetic location: 6p21.33.
Variant type: single nucleotide variant.
Coding change: c.3511A>G on transcript NM_001365276.2 (MANE Select); coding-DNA position 3511, A replaced by G.
Protein change: p.Thr1171Ala; replaces threonine 1171 with alanine.
Molecular consequence: missense variant.
Genome position (GRCh38, 1-based): chr6:32,082,261, T>C on the plus strand (A>G on the coding strand, the complement: TNXB is on the minus strand). VCF-style: chr6-32082261-T-C. GRCh37 (hg19) VCF-style: chr6-32050038-T-C.
Other names: c.4252A>G, p.Thr1418Ala (NM_001428335.1); c.3511A>G, p.Thr1171Ala (NM_019105.8); short protein forms T1171A, T1418A.
Identifiers: ClinVar variation 5031042 (VCV005031042.1).